The following is an entry in ClinVar:

ClinVar aggregate classification (germline): Benign/Likely benign. Review status: criteria provided, multiple submitters, no conflicts (2 of 4 stars). 8 submissions from 8 submitters: Benign (7); Likely benign (1). Last evaluated 2026-02-04.

Conditions:
Tyrosinase-positive oculocutaneous albinism (OCA2). Also called: ALBINISM II; Oculocutaneous albinism type 2; Albinism, oculocutaneous, type II. Identifiers: Orphanet 79432, MedGen C0268495, MONDO:0008746, OMIM 203200.

Allele frequency attached by ClinVar (database versions not stated): 1000 Genomes Project 0.32129; 1000 Genomes Project 30x 0.32448; TOPMed 0.47152; gnomAD 0.50388 and 0.51222; ESP Exome Variant Server 0.53152; gnomAD exomes 0.54144 and 0.64630; ExAC 0.54602.
gnomAD v4.1: 1,017,966 of 1,612,918 alleles (63%); highest among the groups gnomAD compares: Non-Finnish European, 71%; 345,499 homozygotes.

Submissions (8):

Labcorp Genetics (formerly Invitae), Labcorp
Classification: Benign. Last evaluated: 2026-02-04. Review status: criteria provided, single submitter. Criteria: Invitae Variant Classification Sherloc (09022015). Collection method: clinical testing. Allele origin: germline.

Women's Health and Genetics/Laboratory Corporation of America, LabCorp
Classification: Benign. Last evaluated: 2025-06-20. Review status: criteria provided, single submitter. Criteria: LabCorp Variant Classification Summary - May 2015. Collection method: clinical testing. Allele origin: germline.

Blueprint Genetics
Classification: Likely benign. Last evaluated: 2024-11-28. Review status: criteria provided, single submitter. Criteria: ACMG Guidelines, 2015. Collection method: clinical testing. Allele origin: germline.

Genome-Nilou Lab
Classification: Benign for Tyrosinase-positive oculocutaneous albinism. Last evaluated: 2021-09-05. Review status: criteria provided, single submitter. Criteria: ACMG Guidelines, 2015. Collection method: clinical testing. Allele origin: germline. Affected: no.

Illumina Laboratory Services, Illumina
Classification: Benign for Tyrosinase-positive oculocutaneous albinism. Last evaluated: 2018-01-13. Review status: criteria provided, single submitter. Criteria: ICSL Variant Classification Criteria 13 December 2019. Collection method: clinical testing. Allele origin: germline.
Comment: This variant was observed in the ICSL laboratory as part of a predisposition screen in an ostensibly healthy population. It had not been previously curated by ICSL or reported in the Human Gene Mutation Database (HGMD: prior to June 1st, 2018), and was therefore a candidate for classification through an automated scoring system. Utilizing variant allele frequency, disease prevalence and penetrance estimates, and inheritance mode, an automated score was calculated to assess if this variant is too frequent to cause the disease. Based on the score and internal cut-off values, a variant classified as benign is not then subjected to further curation. The score for this variant resulted in a classification of benign for this disease.

Eurofins Ntd Llc (ga)
Classification: Benign. Last evaluated: 2017-10-09. Review status: criteria provided, single submitter. Criteria: EGL Classification Definitions 2015. Collection method: clinical testing. Allele origin: germline. Observed: 1 variant allele, 1 heterozygote.

Breakthrough Genomics
Classification: Benign. Review status: criteria provided, single submitter. Criteria: ACMG Guidelines, 2015. Collection method: not provided. Allele origin: germline. Inheritance: Autosomal recessive inheritance. Affected: yes.

PreventionGenetics, part of Exact Sciences
Classification: Benign. Review status: criteria provided, single submitter. Criteria: ACMG Guidelines, 2015. Collection method: clinical testing. Allele origin: germline.

NM_000275.3(OCA2):c.1365-15C>T

Gene: OCA2 (OCA2 melanosomal transmembrane protein; minus strand). Cytogenetic location: 15q13.1.
Variant type: single nucleotide variant.
Coding change: c.1365-15C>T on transcript NM_000275.3 (MANE Select); 15 bases into the intron before coding-DNA position 1365, C replaced by T.
Molecular consequence: intron variant.
Genome position (GRCh38, 1-based): chr15:27,983,498, G>A on the plus strand (C>T on the coding strand, the complement: OCA2 is on the minus strand). VCF-style: chr15-27983498-G-A. GRCh37 (hg19) VCF-style: chr15-28228644-G-A.
Other names: c.1293-15C>T (NM_001300984.2).
Identifiers: ClinVar variation 255720 (VCV000255720.24), dbSNP rs12910433, ClinGen allele CA7439053.